The following is an entry in ClinVar:

NM_021975.4(RELA):c.1416dup (p.Glu473fs)

Gene: RELA (RELA proto-oncogene, NF-kB subunit; minus strand). Cytogenetic location: 11q13.1.
Variant type: Duplication.
Coding change: c.1416dup on transcript NM_021975.4 (MANE Select); coding-DNA position 1416, one base duplicated (C; older notation c.1416dupC).
Protein change: p.Glu473fs; shifts the reading frame from glutamic acid 473.
Molecular consequence: frameshift variant. On other transcripts: intron variant (1).
Genome position (GRCh38, 1-based): chr11:65,654,618, G duplicated on the plus strand (C on the coding strand, the reverse complement: RELA is on the minus strand); the first of 2 consecutive G bases (chr11:65,654,618-65,654,619); duplicating either gives the same sequence. VCF-style (leftmost placement, unchanged base first): chr11-65654617-C-CG. GRCh37 (hg19) VCF-style: chr11-65422088-C-CG.
Other names: c.1407dup, p.Glu470fs (NM_001145138.2); c.1209dup, p.Glu404fs (NM_001243984.2); c.1216-109dup (NM_001243985.2); short protein forms E404fs, E470fs, E473fs.
Identifiers: ClinVar variation 1453182 (VCV001453182.8), dbSNP rs2135548845, ClinGen allele CA2573147383.

ClinVar aggregate classification (germline): Pathogenic (1 of 4 stars; one submission).

Submission:

Labcorp Genetics (formerly Invitae), Labcorp
Classification: Pathogenic. Last evaluated: 2021-04-19. Review status: criteria provided, single submitter. Criteria: Invitae Variant Classification Sherloc (09022015). Collection method: clinical testing. Allele origin: germline.
Comment: For these reasons, this variant has been classified as Pathogenic. This sequence change creates a premature translational stop signal (p.Glu473Argfs*18) in the RELA gene. While this is not anticipated to result in nonsense mediated decay, it is expected to disrupt the last 79 amino acid(s) of the RELA protein. This variant is not present in population databases (ExAC no frequency). This variant has not been reported in the literature in individuals with RELA-related conditions. This variant disrupts the C-terminus of the RELA protein. Other variant(s) that disrupt this region (p.His487Thrfs*7) have been determined to be pathogenic (PMID: 32969189). This suggests that variants that disrupt this region of the protein are likely to be causative of disease.

Literature cited by the submitters: PubMed 32969189.